The following is an entry in ClinVar:

ClinVar aggregate classification (germline): Uncertain significance (1 of 4 stars; one submission).

Allele frequency attached by ClinVar (database versions not stated): gnomAD exomes below 0.00001; TOPMed below 0.00001.
gnomAD v4.1: 8 of 1,614,170 alleles (0.0005%); highest among the groups gnomAD compares: Non-Finnish European, 0.00059%; no homozygotes.

Submission:

Labcorp Genetics (formerly Invitae), Labcorp
Classification: Uncertain significance. Last evaluated: 2023-11-27. Review status: criteria provided, single submitter. Criteria: Invitae Variant Classification Sherloc (09022015). Collection method: clinical testing. Allele origin: germline.
Comment: This sequence change replaces alanine, which is neutral and non-polar, with aspartic acid, which is acidic and polar, at codon 277 of the GRHL2 protein (p.Ala277Asp). This variant is not present in population databases (gnomAD no frequency). This variant has not been reported in the literature in individuals affected with GRHL2-related conditions. ClinVar contains an entry for this variant (Variation ID: 1953943). Advanced modeling of protein sequence and biophysical properties (such as structural, functional, and spatial information, amino acid conservation, physicochemical variation, residue mobility, and thermodynamic stability) performed at Invitae indicates that this missense variant is expected to disrupt GRHL2 protein function with a positive predictive value of 80%. In summary, the available evidence is currently insufficient to determine the role of this variant in disease. Therefore, it has been classified as a Variant of Uncertain Significance.

NM_024915.4(GRHL2):c.830C>A (p.Ala277Asp)

Gene: GRHL2 (grainyhead like transcription factor 2; plus strand). Cytogenetic location: 8q22.3.
Variant type: single nucleotide variant.
Coding change: c.830C>A on transcript NM_024915.4 (MANE Select); coding-DNA position 830, C replaced by A.
Protein change: p.Ala277Asp; replaces alanine 277 with aspartic acid.
Molecular consequence: missense variant.
Genome position (GRCh38, 1-based): chr8:101,573,763, C>A. VCF-style: chr8-101573763-C-A. GRCh37 (hg19) VCF-style: chr8-102585991-C-A.
Other names: c.782C>A, p.Ala261Asp (NM_001330593.2); short protein forms A261D, A277D.
Identifiers: ClinVar variation 1953943 (VCV001953943.5), dbSNP rs1232215185, ClinGen allele CA371644845.
Genomic context (GRCh38, chr8:101,573,763, plus strand): 5'-CTCTCCGTCAGAAGCAGGGGGAGGGCCCCATGACCTACCTCAACAAAGGACAGTTCTATG[C>A]CATAACACTCAGCGAGACCGGAGACAACAAATGCTTCCGACACCCCATCAGCAAAGTCAG-3'
Protein context (NP_079191.2, residues 267-287): MTYLNKGQFY[Ala277Asp]ITLSETGDNK